The following is an entry in ClinVar:

ClinVar aggregate classification (germline): Likely pathogenic (1 of 4 stars; one submission).

Submission:

Centre of Medical Genetics, University Hospital Muenster
Classification: Likely pathogenic. Last evaluated: 2021-12-20. Review status: criteria provided, single submitter. Criteria: ACMG Guidelines, 2015. Collection method: clinical testing. Allele origin: unknown. Affected: yes. Observed: 1 variant allele, 1 heterozygote.
Comment: ACMG categories: PVS1,PM2

NM_001145809.2(MYH14):c.4609del (p.Arg1537fs)

Gene: MYH14 (myosin heavy chain 14; plus strand). Cytogenetic location: 19q13.33.
Variant type: Deletion.
Coding change: c.4609del on transcript NM_001145809.2 (MANE Select); coding-DNA position 4609, one base deleted (C; older notation c.4609delC).
Protein change: p.Arg1537fs; shifts the reading frame from arginine 1537.
Molecular consequence: frameshift variant.
Genome position (GRCh38, 1-based): chr19:50,286,551, C deleted; the last of 2 consecutive C bases (chr19:50,286,550-50,286,551); deleting either gives the same sequence. VCF-style (leftmost placement, unchanged base first): chr19-50286549-GC-G. GRCh37 (hg19) VCF-style: chr19-50789806-GC-G.
Other names: c.4510del, p.Arg1504fs (NM_001077186.2); c.4486del, p.Arg1496fs (NM_024729.4); short protein forms R1496fs, R1504fs, R1537fs.
Identifiers: ClinVar variation 1708295 (VCV001708295.2), dbSNP rs2514443505, ClinGen allele CA2580097588.